The following is an entry in ClinVar:

NM_000038.6(APC):c.1744-566G>C

Gene: APC (APC regulator of WNT signaling pathway; plus strand). Cytogenetic location: 5q22.2.
Variant type: single nucleotide variant.
Coding change: c.1744-566G>C on transcript NM_000038.6 (MANE Select); 566 bases into the intron before coding-DNA position 1744, G replaced by C.
Molecular consequence: intron variant.
Genome position (GRCh38, 1-based): chr5:112,834,385, G>C. VCF-style: chr5-112834385-G-C. GRCh37 (hg19) VCF-style: chr5-112170082-G-C.
Other names: c.1744-566G>C (NM_001354895.2, NM_001127510.3); c.1774-566G>C (NM_001354897.2); c.1471-566G>C (NM_001354902.2); c.1690-566G>C (NM_001127511.3); c.1669-566G>C (NM_001354898.2); c.1366-566G>C (NM_001354904.2); c.895-566G>C (NM_001354906.2); c.1798-566G>C (NM_001354896.2); and 5 more.
Identifiers: ClinVar variation 83203 (VCV000083203.2), dbSNP rs77304999, ClinGen allele CA005918.

ClinVar aggregate classification (germline): other (0 of 4 stars; one submission).

Conditions:
Familial colorectal cancer. Identifiers: MedGen CN280943, MONDO:0023113. Disease mechanism: loss of function.

Allele frequency attached by ClinVar (database versions not stated): TOPMed below 0.00001.

Submission:

Systems Biology Platform Zhejiang California International NanoSystems Institute
Classification: other for Familial colorectal cancer. Review status: no assertion criteria provided. Collection method: not provided. Allele origin: unknown.
ClinVar note: Converted during submission from cancer to other.